The following is an entry in ClinVar:

ClinVar aggregate classification (germline): Uncertain significance. Review status: criteria provided, multiple submitters, no conflicts (2 of 4 stars). 3 submissions from 3 submitters: Uncertain significance (3). Last evaluated 2023-04-11.

Conditions:
Maple syrup urine disease (MSUD). Identifiers: Orphanet 511, MedGen C0024776, MeSH D008375, MONDO:0009563. Disease mechanism: loss of function.
Inborn genetic diseases. Identifiers: MedGen C0950123, MeSH D030342.

Allele frequency attached by ClinVar (database versions not stated): gnomAD exomes below 0.00001.
gnomAD v4.1: 1 of 1,613,706 alleles (0.000062%); highest among the groups gnomAD compares: East Asian, 0.0022%; no homozygotes.

Submissions (3):

Genome-Nilou Lab
Classification: Uncertain significance for Maple syrup urine disease type 1A. Last evaluated: 2023-04-11. Review status: criteria provided, single submitter. Criteria: ACMG Guidelines, 2015. Collection method: clinical testing. Allele origin: germline. Affected: no.

Ambry Genetics
Classification: Uncertain significance for Inborn genetic diseases. Last evaluated: 2022-12-12. Review status: criteria provided, single submitter. Criteria: Ambry Variant Classification Scheme 2023. Collection method: clinical testing. Allele origin: germline.

Labcorp Genetics (formerly Invitae), Labcorp
Classification: Uncertain significance for Maple syrup urine disease. Last evaluated: 2022-09-01. Review status: criteria provided, single submitter. Criteria: Invitae Variant Classification Sherloc (09022015). Collection method: clinical testing. Allele origin: germline.
Comment: This sequence change replaces valine, which is neutral and non-polar, with isoleucine, which is neutral and non-polar, at codon 151 of the DBT protein (p.Val151Ile). This variant is not present in population databases (gnomAD no frequency). This variant has not been reported in the literature in individuals affected with DBT-related conditions. ClinVar contains an entry for this variant (Variation ID: 1389784). Advanced modeling of protein sequence and biophysical properties (such as structural, functional, and spatial information, amino acid conservation, physicochemical variation, residue mobility, and thermodynamic stability) performed at Invitae indicates that this missense variant is not expected to disrupt DBT protein function. In summary, the available evidence is currently insufficient to determine the role of this variant in disease. Therefore, it has been classified as a Variant of Uncertain Significance.

NM_001918.5(DBT):c.451G>A (p.Val151Ile)

Gene: DBT (dihydrolipoamide branched chain transacylase E2; minus strand). Cytogenetic location: 1p21.2.
Variant type: single nucleotide variant.
Coding change: c.451G>A on transcript NM_001918.5 (MANE Select); coding-DNA position 451, G replaced by A.
Protein change: p.Val151Ile; replaces valine 151 with isoleucine.
Molecular consequence: missense variant.
Genome position (GRCh38, 1-based): chr1:100,218,730, C>T on the plus strand (G>A on the coding strand, the complement: DBT is on the minus strand). VCF-style: chr1-100218730-C-T. GRCh37 (hg19) VCF-style: chr1-100684286-C-T.
Other names: c.451G>A (NM_001918.2); short protein forms V151I.
Identifiers: ClinVar variation 1389784 (VCV001389784.6), dbSNP rs1282153768, ClinGen allele CA341340682.